The following is an entry in ClinVar:

NM_001148.6(ANK2):c.7970G>A (p.Ser2657Asn)

Genes: ANK2 (ankyrin 2; plus strand), LOC126807137 (CDK7 strongly-dependent group 2 enhancer GRCh37_chr4:114276560-114277759; plus strand). Cytogenetic location: 4q26.
Variant type: single nucleotide variant.
Coding change: c.7970G>A on transcript NM_001148.6 (MANE Select); coding-DNA position 7970, G replaced by A.
Protein change: p.Ser2657Asn; replaces serine 2657 with asparagine.
Molecular consequence: missense variant. On other transcripts: intron variant (68).
Genome position (GRCh38, 1-based): chr4:113,356,588, G>A. VCF-style: chr4-113356588-G-A. GRCh37 (hg19) VCF-style: chr4-114277744-G-A.
Other names: c.7736G>A, p.Ser2579Asn (NM_001386142.1); c.4370G>A, p.Ser1457Asn (NM_001386166.1); c.8111G>A, p.Ser2704Asn (NM_001386174.1); c.8087G>A, p.Ser2696Asn (NM_001386175.1); c.4412-4235G>A (NM_001386186.2, NM_001386148.2); c.4214-4235G>A (NM_001354269.3); c.4292-4235G>A (NM_001386187.2); c.4253-4235G>A (NM_001386147.1); and 35 more; short protein forms S1457N, S2704N, S2657N, S2579N, S2696N.
Identifiers: ClinVar variation 4703299 (VCV004703299.1).
Genomic context (GRCh38, chr4:113,356,588, plus strand): 5'-CAAAACATACAGGCAGTGGGGAGGATGAAAGTGGTGTCCCTGTGTTAGTAACTTCGGAGA[G>A]CAGGAAGGTGTCTTCCTCCTCAGAAAGTGAACCTGAGTTGGCACAGCTTAAAAAAGGTGC-3'
Protein context (NP_001139.3, residues 2647-2667): SGVPVLVTSE[Ser2657Asn]RKVSSSSESE

ClinVar aggregate classification (germline): Uncertain significance (1 of 4 stars; one submission).

Conditions:
Long QT syndrome (LQTS). Identifiers: MedGen C0023976, MeSH D008133, MONDO:0002442. Disease mechanism: loss of function. Inheritance: Various modes of inheritance.

Submission:

Labcorp Genetics (formerly Invitae), Labcorp
Classification: Uncertain significance for Long QT syndrome. Last evaluated: 2026-01-18. Review status: criteria provided, single submitter. Criteria: Invitae Variant Classification Sherloc (09022015). Collection method: clinical testing. Allele origin: germline.
Comment: This sequence change replaces serine, which is neutral and polar, with asparagine, which is neutral and polar, at codon 2657 of the ANK2 protein (p.Ser2657Asn). This variant is not present in population databases (gnomAD no frequency). This variant has not been reported in the literature in individuals affected with ANK2-related conditions. An algorithm developed to predict the effect of missense changes on protein structure and function (PolyPhen-2) suggests that this variant is likely to be tolerated. In summary, the available evidence is currently insufficient to determine the role of this variant in disease. Therefore, it has been classified as a Variant of Uncertain Significance.